The following is an entry in ClinVar:

NM_024589.3(ROGDI):c.713G>A (p.Arg238His)

Gene: ROGDI (rogdi atypical leucine zipper; minus strand). Cytogenetic location: 16p13.3.
Variant type: single nucleotide variant.
Coding change: c.713G>A on transcript NM_024589.3 (MANE Select); coding-DNA position 713, G replaced by A.
Protein change: p.Arg238His; replaces arginine 238 with histidine.
Molecular consequence: missense variant. On other transcripts: non-coding transcript variant (1).
Genome position (GRCh38, 1-based): chr16:4,797,823, C>T on the plus strand (G>A on the coding strand, the complement: ROGDI is on the minus strand). VCF-style: chr16-4797823-C-T. GRCh37 (hg19) VCF-style: chr16-4847824-C-T.
Other names: short protein forms R238H.
Identifiers: ClinVar variation 319399 (VCV000319399.52), dbSNP rs138409264, ClinGen allele CA7882510.

ClinVar aggregate classification (germline): Benign/Likely benign. Review status: criteria provided, multiple submitters, no conflicts (2 of 4 stars). 11 submissions from 11 submitters: Benign (3); Likely benign (5). 3 of the submissions do not count toward it. Last evaluated 2026-09-01.

Conditions:
ROGDI-related disorder. Also called: ROGDI-related condition.
Amelocerebrohypohidrotic syndrome (KTZS). Also called: Kohlschutter's syndrome; KOHLSCHUTTER SYNDROME; EPILEPSY AND YELLOW TEETH; EPILEPSY, DEMENTIA, AND AMELOGENESIS IMPERFECTA. Identifiers: Orphanet 1946, MedGen C0406740, MONDO:0009185, OMIM 226750.

Allele frequency attached by ClinVar (database versions not stated): 1000 Genomes Project 30x 0.00344; 1000 Genomes Project 0.00359; TOPMed 0.00475; gnomAD exomes 0.00484; ExAC 0.00523; gnomAD 0.00525 and 0.00548; ESP Exome Variant Server 0.00569.
gnomAD v4.1: 8,991 of 1,612,036 alleles (0.56%); highest among the groups gnomAD compares: Non-Finnish European, 0.61%; 35 homozygotes.

Submissions (11):

CeGaT Center for Human Genetics Tuebingen
Classification: Likely benign. Last evaluated: 2026-09-01. Review status: criteria provided, single submitter. Criteria: CeGaT Center For Human Genetics Tuebingen Variant Classification Criteria Version 2. Collection method: clinical testing. Allele origin: germline. Affected: yes. Observed: 21 variant alleles.
Comment: ROGDI: BS2

Labcorp Genetics (formerly Invitae), Labcorp
Classification: Benign for Amelocerebrohypohidrotic syndrome. Last evaluated: 2026-02-03. Review status: criteria provided, single submitter. Criteria: Invitae Variant Classification Sherloc (09022015). Collection method: clinical testing. Allele origin: germline.

ARUP Laboratories, Molecular Genetics and Genomics, ARUP Laboratories
Classification: Benign for Amelocerebrohypohidrotic syndrome. Last evaluated: 2025-04-30. Review status: criteria provided, single submitter. Criteria: ARUP Molecular Germline Variant Investigation Process 2024. Collection method: clinical testing. Allele origin: germline.

Mendelics
Classification: Likely benign for Amelocerebrohypohidrotic syndrome. Last evaluated: 2019-05-28. Review status: criteria provided, single submitter. Criteria: Mendelics Assertion Criteria 2017. Collection method: clinical testing. Allele origin: unknown.

Illumina Laboratory Services, Illumina
Classification: Likely benign for Kohlschutter syndrome. Last evaluated: 2018-01-13. Review status: criteria provided, single submitter. Criteria: ICSL Variant Classification Criteria 13 December 2019. Collection method: clinical testing. Allele origin: germline.
Comment: This variant was observed in the ICSL laboratory as part of a predisposition screen in an ostensibly healthy population. It had not been previously curated by ICSL or reported in the Human Gene Mutation Database (HGMD: prior to June 1st, 2018), and was therefore a candidate for classification through an automated scoring system. Utilizing variant allele frequency, disease prevalence and penetrance estimates, and inheritance mode, an automated score was calculated to assess if this variant is too frequent to cause the disease. Based on the score and internal cut-off values, a variant classified as likely benign is not then subjected to further curation. The score for this variant resulted in a classification of likely benign for this disease.

Athena Diagnostics
Classification: Benign. Last evaluated: 2017-09-27. Review status: criteria provided, single submitter. Criteria: Athena Diagnostics Criteria. Collection method: clinical testing. Allele origin: germline.

Center for Pediatric Genomic Medicine, Children's Mercy Hospital and Clinics
Classification: Likely benign. Last evaluated: 2016-10-12. Review status: criteria provided, single submitter. Criteria: ACMG Guidelines, 2015. Collection method: clinical testing. Allele origin: germline.
ClinVar note: Converted during submission from Likely Benign to Likely benign.

Breakthrough Genomics
Classification: Likely benign. Review status: criteria provided, single submitter. Criteria: ACMG Guidelines, 2015. Collection method: not provided. Allele origin: germline. Inheritance: Autosomal recessive inheritance. Affected: yes.

PreventionGenetics, part of Exact Sciences
Classification: Benign for ROGDI-related condition. Last evaluated: 2023-12-20. Review status: no assertion criteria provided. Collection method: clinical testing. Allele origin: germline. Not counted in ClinVar's aggregate classification.
Comment: This variant is classified as benign based on ACMG/AMP sequence variant interpretation guidelines (Richards et al. 2015 PMID: 25741868, with internal and published modifications).

Diagnostic Laboratory, Department of Genetics, University Medical Center Groningen
Classification: Likely benign for Amelocerebrohypohidrotic syndrome. Review status: no assertion criteria provided. Collection method: clinical testing. Allele origin: germline. Affected: yes. Study: VKGL Data-share Consensus. Not counted in ClinVar's aggregate classification.

Genome Diagnostics Laboratory, University Medical Center Utrecht
Classification: Benign. Review status: no assertion criteria provided. Collection method: clinical testing. Allele origin: germline. Affected: yes. Study: VKGL Data-share Consensus. Not counted in ClinVar's aggregate classification.